The following is an entry in ClinVar:

ClinVar aggregate classification (germline): Uncertain significance (1 of 4 stars; one submission).

Allele frequency attached by ClinVar (database versions not stated): TOPMed 0.00001; gnomAD 0.00001.
gnomAD v4.1: 3 of 1,516,054 alleles (0.0002%); highest among the groups gnomAD compares: Non-Finnish European, 0.00018%; no homozygotes.

Submission:

Labcorp Genetics (formerly Invitae), Labcorp
Classification: Uncertain significance. Last evaluated: 2025-02-28. Review status: criteria provided, single submitter. Criteria: Invitae Variant Classification Sherloc (09022015). Collection method: clinical testing. Allele origin: germline.
Comment: This sequence change replaces proline, which is neutral and non-polar, with serine, which is neutral and polar, at codon 485 of the CAMK2B protein (p.Pro485Ser). This variant is not present in population databases (gnomAD no frequency). This variant has not been reported in the literature in individuals affected with CAMK2B-related conditions. ClinVar contains an entry for this variant (Variation ID: 2788791). An algorithm developed to predict the effect of missense changes on protein structure and function (PolyPhen-2) suggests that this variant is likely to be disruptive. In summary, the available evidence is currently insufficient to determine the role of this variant in disease. Therefore, it has been classified as a Variant of Uncertain Significance.

NM_001220.5(CAMK2B):c.1453C>T (p.Pro485Ser)

Gene: CAMK2B (calcium/calmodulin dependent protein kinase II beta; minus strand). Cytogenetic location: 7p13.
Variant type: single nucleotide variant.
Coding change: c.1453C>T on transcript NM_001220.5 (MANE Select); coding-DNA position 1453, C replaced by T.
Protein change: p.Pro485Ser; replaces proline 485 with serine.
Molecular consequence: missense variant. On other transcripts: intron variant (8).
Genome position (GRCh38, 1-based): chr7:44,228,811, G>A on the plus strand (C>T on the coding strand, the complement: CAMK2B is on the minus strand). VCF-style: chr7-44228811-G-A. GRCh37 (hg19) VCF-style: chr7-44268410-G-A.
Other names: c.947-7910C>T (NM_172084.3); c.1150+2195C>T (NM_172080.3); c.1036+2195C>T (NM_172083.3); c.1108+2195C>T (NM_172081.3); c.1153+2195C>T (NM_172079.3, NM_172082.3); c.1225+2195C>T (NM_001293170.2, NM_172078.3); short protein forms P485S.
Identifiers: ClinVar variation 2788791 (VCV002788791.3), dbSNP rs1296591384, ClinGen allele CA367372913.